The following is an entry in ClinVar:

NM_000443.4(ABCB4):c.2137G>A (p.Val713Met)

Gene: ABCB4 (ATP binding cassette subfamily B member 4; minus strand). Cytogenetic location: 7q21.12.
Variant type: single nucleotide variant.
Coding change: c.2137G>A on transcript NM_000443.4 (MANE Select); coding-DNA position 2137, G replaced by A.
Protein change: p.Val713Met; replaces valine 713 with methionine.
Molecular consequence: missense variant.
Genome position (GRCh38, 1-based): chr7:87,423,980, C>T on the plus strand (G>A on the coding strand, the complement: ABCB4 is on the minus strand). VCF-style: chr7-87423980-C-T. GRCh37 (hg19) VCF-style: chr7-87053296-C-T.
Other names: c.2137G>A, p.Val713Met (NM_018849.3, NM_018850.3); short protein forms V713M.
Identifiers: ClinVar variation 360794 (VCV000360794.15), dbSNP rs373122168, ClinGen allele CA4327114.

ClinVar aggregate classification (germline): Uncertain significance. Review status: criteria provided, multiple submitters, no conflicts (2 of 4 stars). 6 submissions from 5 submitters: Uncertain significance (6). Last evaluated 2026-06-21.

Conditions:
ABCB4-related disorder. Also called: ABCB4-related disorders; ABCB4-related condition.
Cholestasis, intrahepatic, of pregnancy, 3. Identifiers: Orphanet 69665, MedGen C3554241, MONDO:0013995, OMIM 614972.
Progressive familial intrahepatic cholestasis type 3. Also called: Low Gamma-GT Familial Intrahepatic Cholestasis; MDR3 DEFICIENCY. Identifiers: Orphanet 79305, MedGen C1865643, MONDO:0011214, OMIM 602347.
Familial intrahepatic cholestasis. Identifiers: Orphanet 284385, MedGen CN296401, MONDO:0017290.

Allele frequency attached by ClinVar (database versions not stated): ESP Exome Variant Server 0.00008; TOPMed 0.00009; gnomAD exomes 0.00011; ExAC 0.00012; gnomAD 0.00019.
gnomAD v4.1: 155 of 1,613,946 alleles (0.0096%); highest among the groups gnomAD compares: South Asian, 0.03%; 2 homozygotes.

Submissions (6):

PreventionGenetics, part of Exact Sciences
Classification: Uncertain significance for ABCB4-related condition. Last evaluated: 2026-06-21. Review status: criteria provided, single submitter. Criteria: ACMG Guidelines, 2015. Collection method: clinical testing. Allele origin: germline.
Comment: The ABCB4 c.2137G>A variant is predicted to result in the amino acid substitution p.Val713Met. This variant has been reported along with a second ABCB4 variant in an individual with progressive familial intrahepatic cholestasis (Wu et al 2020. PubMed ID: 32321542). This variant has also been observed in a large cohort study of individuals with intrahepatic cholestasis of pregnancy (Supp. Table 1 Liu X et al 2022. PubMed ID: 36046230). This variant was also reported in heterozygous state in absence of a second variant in an individual with cholelithiasis (Table 3, Hegarty et al. 2023. PubMed ID: 38374565). This variant is reported in 0.030% of alleles in individuals of East Asian descent in gnomAD, including one homozygote. Although we suspect that this variant may be pathogenic, at this time, the clinical significance of this variant is uncertain due to the absence of conclusive functional and genetic evidence.

Genomenon, Inc
Classification: Uncertain significance for Familial intrahepatic cholestasis. Last evaluated: 2026-04-14. Review status: criteria provided, single submitter. Criteria: Genomenon Sequence Variant Interpretation Standards - Updated. Collection method: curation. Allele origin: germline. Affected: yes.
Comment: ABCB4 p.Val713Met (c.2137G>A) is a missense variant that changes the amino acid at residue 713 from Valine to Methionine. This variant has been observed in at least one proband with an ABCB4-related disorder (PMID:32321542). It is absent or not present at a significant frequency in gnomAD. In conclusion, we classify ABCB4 p.Val713Met (c.2137G>A) as a variant of uncertain significance.

Women's Health and Genetics/Laboratory Corporation of America, LabCorp
Classification: Uncertain significance. Last evaluated: 2025-09-29. Review status: criteria provided, single submitter. Criteria: LabCorp Variant Classification Summary - May 2015. Collection method: clinical testing. Allele origin: germline.
Comment: Variant summary: ABCB4 c.2137G>A (p.Val713Met) results in a conservative amino acid change located in the ABC transporter type 1, transmembrane domain of the encoded protein sequence. Algorithms developed to predict the effect of missense changes on protein structure and function are either unavailable or do not agree on the potential impact of this missense change. The variant allele was found at a frequency of 0.00011 in 251050 control chromosomes in the gnomAD database, including 1 homozygotes. This frequency is not significantly higher than estimated for disease-causing variants in ABCB4, allowing no conclusion about variant significance. c.2137G>A has been reported in the literature in individuals affected with Familial Intrahepatic Cholestasis in heterozygous state (example: Wu_2020, Hegarty_2024, Liu_2022). These report(s) do not provide unequivocal conclusions about association of the variant with Familial Intrahepatic Cholestasis. To our knowledge, no experimental evidence demonstrating an impact on protein function has been reported. The following publications have been ascertained in the context of this evaluation (PMID: 32321542, 38374565, 36046230). ClinVar contains an entry for this variant (Variation ID: 360794). Based on the evidence outlined above, the variant was classified as uncertain significance.

Eurofins Ntd Llc (ga)
Classification: Uncertain significance. Last evaluated: 2018-06-05. Review status: criteria provided, single submitter. Criteria: EGL ClinVar v180209 classification definitions. Collection method: clinical testing. Allele origin: germline. Observed: 1 variant allele, 1 heterozygote.

Illumina Laboratory Services, Illumina
Classification: Uncertain significance for Cholestasis, intrahepatic, of pregnancy, 3. Last evaluated: 2018-01-12. Review status: criteria provided, single submitter. Criteria: ICSL Variant Classification Criteria 13 December 2019. Collection method: clinical testing. Allele origin: germline.

Illumina Laboratory Services, Illumina
Classification: Uncertain significance for Progressive familial intrahepatic cholestasis type 3. Last evaluated: 2018-01-12. Review status: criteria provided, single submitter. Criteria: ICSL Variant Classification Criteria 13 December 2019. Collection method: clinical testing. Allele origin: germline.

Literature cited by the submitters: PubMed 32321542 (cited by Genomenon, Inc and Women's Health and Genetics/Laboratory Corporation of America, LabCorp); PubMed 38374565 (cited by Women's Health and Genetics/Laboratory Corporation of America, LabCorp); PubMed 36046230 (cited by Women's Health and Genetics/Laboratory Corporation of America, LabCorp).